The following is an entry in ClinVar:

ClinVar aggregate classification (germline): Benign (1 of 4 stars; one submission).

Conditions:
Rhizomelic chondrodysplasia punctata type 3 (RCDP3). Also called: ALKYLDIHYDROXYACETONEPHOSPHATE SYNTHASE DEFICIENCY; Alkylglycerone Phosphate Synthase (AGPS) deficiency. Identifiers: Orphanet 177, Orphanet 309803, MedGen C1838612, MONDO:0010823, OMIM 600121. Disease mechanism: loss of function.

Allele frequency attached by ClinVar (database versions not stated): gnomAD 0.01515; TOPMed 0.01656; 1000 Genomes Project 0.02716; 1000 Genomes Project 30x 0.02873.

Submission:

Illumina Laboratory Services, Illumina
Classification: Benign for Rhizomelic chondrodysplasia punctata type 3. Last evaluated: 2018-01-13. Review status: criteria provided, single submitter. Criteria: ICSL Variant Classification Criteria 13 December 2019. Collection method: clinical testing. Allele origin: germline.
Comment: This variant was observed in the ICSL laboratory as part of a predisposition screen in an ostensibly healthy population. It had not been previously curated by ICSL or reported in the Human Gene Mutation Database (HGMD: prior to June 1st, 2018), and was therefore a candidate for classification through an automated scoring system. Utilizing variant allele frequency, disease prevalence and penetrance estimates, and inheritance mode, an automated score was calculated to assess if this variant is too frequent to cause the disease. Based on the score and internal cut-off values, a variant classified as benign is not then subjected to further curation. The score for this variant resulted in a classification of benign for this disease.

NM_003659.4(AGPS):c.*1106A>T

Gene: AGPS (alkylglycerone phosphate synthase; plus strand). Cytogenetic location: 2q31.2.
Variant type: single nucleotide variant.
Coding change: c.*1106A>T on transcript NM_003659.4 (MANE Select); 1106 bases downstream of the stop codon, A replaced by T.
Molecular consequence: 3 prime UTR variant.
Genome position (GRCh38, 1-based): chr2:177,539,301, A>T. VCF-style: chr2-177539301-A-T. GRCh37 (hg19) VCF-style: chr2-178404029-A-T.
Identifiers: ClinVar variation 332543 (VCV000332543.5), dbSNP rs116688077, ClinGen allele CA10612900.
Genomic context (GRCh38, chr2:177,539,301, plus strand): 5'-TTAGTTTTTAATAATGGTTTAATGCCTTTTTTGAATAACTGGTTTAACCTAATTTTTTTT[A>T]AATGTAATGTATTAATGCATATACCATAATCAAAAGTTTGAAATATCCTGTTTCTTAAAT-3'